The following is an entry in ClinVar:

ClinVar aggregate classification (germline): Uncertain significance (1 of 4 stars; one submission).

Submission:

GeneDx
Classification: Uncertain significance. Last evaluated: 2023-12-14. Review status: criteria provided, single submitter. Criteria: GeneDx Variant Classification Process June 2021. Collection method: clinical testing. Allele origin: germline. Affected: yes.
Comment: Not observed at significant frequency in large population cohorts (gnomAD); In silico analysis supports that this missense variant has a deleterious effect on protein structure/function; Has not been previously published as pathogenic or benign to our knowledge

NM_182641.4(BPTF):c.8172G>T (p.Lys2724Asn)

Gene: BPTF (bromodomain PHD finger transcription factor; plus strand). Cytogenetic location: 17q24.2.
Variant type: single nucleotide variant.
Coding change: c.8172G>T on transcript NM_182641.4 (MANE Select); coding-DNA position 8172, G replaced by T.
Protein change: p.Lys2724Asn; replaces lysine 2724 with asparagine.
Molecular consequence: missense variant.
Genome position (GRCh38, 1-based): chr17:67,959,786, G>T. VCF-style: chr17-67959786-G-T. GRCh37 (hg19) VCF-style: chr17-65955902-G-T.
Other names: c.8121G>T, p.Lys2707Asn (NM_004459.7); short protein forms K2707N, K2724N.
Identifiers: ClinVar variation 3365750 (VCV003365750.1).